The following is an entry in ClinVar:

ClinVar aggregate classification (germline): Likely benign. Review status: criteria provided, multiple submitters, no conflicts (2 of 4 stars). 9 submissions from 9 submitters: Likely benign (4). 5 of the submissions do not count toward it. Last evaluated 2026-01-08.

Conditions:
Pulmonary arterial hypertension. Identifiers: Orphanet 182090, MedGen C2973725, MeSH D000081029, MONDO:0015924, HP:0002092.
Hereditary hemorrhagic telangiectasia (HHT). Also called: ORW DISEASE; Osler Weber Rendu syndrome; Osler hemorrhagic telangiectasia syndrome; OSLER-RENDU-WEBER DISEASE. Identifiers: Orphanet 774, MedGen C0039445, MONDO:0019180. Disease mechanism: loss of function.
Telangiectasia, hereditary hemorrhagic, type 1 (HHT1). Also called: Osler Weber Rendu syndrome type 1; ENG-Related Hereditary Hemorrhagic Telangiectasia. Identifiers: Orphanet 774, MedGen C4551861, MONDO:0008535, OMIM 187300. Disease mechanism: loss of function.

Allele frequency attached by ClinVar (database versions not stated): ESP Exome Variant Server 0.00008; TOPMed 0.00015; ExAC 0.00016; gnomAD 0.00018 and 0.00019; gnomAD exomes 0.00020 and 0.00039.
gnomAD v4.1: 578 of 1,613,876 alleles (0.036%); highest among the groups gnomAD compares: Non-Finnish European, 0.047%; 1 homozygote.

Submissions (9):

Labcorp Genetics (formerly Invitae), Labcorp
Classification: Likely benign for Hereditary hemorrhagic telangiectasia. Last evaluated: 2026-01-08. Review status: criteria provided, single submitter. Criteria: Invitae Variant Classification Sherloc (09022015). Collection method: clinical testing. Allele origin: germline.

Blueprint Genetics
Classification: Likely benign. Last evaluated: 2024-10-08. Review status: criteria provided, single submitter. Criteria: ACMG Guidelines, 2015. Collection method: clinical testing. Allele origin: germline.

CeGaT Center for Human Genetics Tuebingen
Classification: Likely benign. Last evaluated: 2024-02-01. Review status: criteria provided, single submitter. Criteria: CeGaT Center For Human Genetics Tuebingen Variant Classification Criteria Version 2. Collection method: clinical testing. Allele origin: germline. Affected: yes. Observed: 1 variant allele.
Comment: ENG: BP4

GeneDx
Classification: Likely benign. Last evaluated: 2018-05-08. Review status: criteria provided, single submitter. Criteria: GeneDx Variant Classification (06012015). Collection method: clinical testing. Allele origin: germline. Affected: yes.
Comment: This variant is considered likely benign or benign based on one or more of the following criteria: it is a conservative change, it occurs at a poorly conserved position in the protein, it is predicted to be benign by multiple in silico algorithms, and/or has population frequency not consistent with disease.

John Welsh Cardiovascular Diagnostic Laboratory, Baylor College of Medicine
Classification: Benign for Pulmonary arterial hypertension. Last evaluated: 2022-09-26. Review status: no assertion criteria provided. Criteria: ACMG Guidelines, 2015. Collection method: clinical testing. Allele origin: germline. Not counted in ClinVar's aggregate classification.

Clinical Genetics DNA and cytogenetics Diagnostics Lab, Erasmus MC, Erasmus Medical Center
Classification: Likely benign. Review status: no assertion criteria provided. Collection method: clinical testing. Allele origin: germline. Affected: yes. Study: VKGL Data-share Consensus. Not counted in ClinVar's aggregate classification.

Clinical Genetics, Academic Medical Center
Classification: Likely benign. Review status: no assertion criteria provided. Collection method: clinical testing. Allele origin: germline. Affected: yes. Study: VKGL Data-share Consensus. Not counted in ClinVar's aggregate classification.

Diagnostic Laboratory, Department of Genetics, University Medical Center Groningen
Classification: Likely benign for Telangiectasia, hereditary hemorrhagic, type 1. Review status: no assertion criteria provided. Collection method: clinical testing. Allele origin: germline. Affected: yes. Study: VKGL Data-share Consensus. Not counted in ClinVar's aggregate classification.

Genome Diagnostics Laboratory, Amsterdam University Medical Center
Classification: Benign. Review status: no assertion criteria provided. Collection method: clinical testing. Allele origin: germline. Affected: yes. Study: VKGL Data-share Consensus. Not counted in ClinVar's aggregate classification.

NM_001114753.3(ENG):c.1686+6T>G

Genes: ENG (endoglin; minus strand), LOC102723566 (uncharacterized LOC102723566; plus strand). Cytogenetic location: 9q34.11.
Variant type: single nucleotide variant.
Coding change: c.1686+6T>G on transcript NM_001114753.3 (MANE Select); 6 bases into the intron after coding-DNA position 1686, T replaced by G.
Molecular consequence: intron variant.
Genome position (GRCh38, 1-based): chr9:127,818,114, A>C on the plus strand (T>G on the coding strand, the complement: ENG is on the minus strand). VCF-style: chr9-127818114-A-C. GRCh37 (hg19) VCF-style: chr9-130580393-A-C.
Other names: c.1686+6T>G (NM_000118.4); c.1140+6T>G (NM_001278138.2).
Identifiers: ClinVar variation 407130 (VCV000407130.40), dbSNP rs369766351, ClinGen allele CA5252703.